The following is an entry in ClinVar:

NM_025216.3(WNT10A):c.*216G>C

Gene: WNT10A (Wnt family member 10A; plus strand). Cytogenetic location: 2q35.
Variant type: single nucleotide variant.
Coding change: c.*216G>C on transcript NM_025216.3 (MANE Select); 216 bases downstream of the stop codon, G replaced by C.
Molecular consequence: 3 prime UTR variant.
Genome position (GRCh38, 1-based): chr2:218,893,487, G>C. VCF-style: chr2-218893487-G-C. GRCh37 (hg19) VCF-style: chr2-219758209-G-C.
Identifiers: ClinVar variation 334420 (VCV000334420.5), dbSNP rs552325173, ClinGen allele CA10614202.

ClinVar aggregate classification (germline): Likely benign. Review status: criteria provided, single submitter (1 of 4 stars). 3 submissions from 1 submitter: Likely benign (3). Last evaluated 2018-01-12.

Conditions:
Tooth agenesis, selective, 4 (STHAG4). Also called: SUCCEDANEOUS TEETH, AGENESIS OF; LATERAL INCISORS, ABSENCE OF; LATERAL INCISORS, PEGGED OR MISSING; TOOTH AGENESIS, SELECTIVE, 4, WITH OR WITHOUT ECTODERMAL DYSPLASIA. Identifiers: Orphanet 99798, MedGen C1835492, MONDO:0007881, OMIM 150400. Disease mechanism: loss of function.
Odonto-onycho-dermal dysplasia. Identifiers: Orphanet 2721, MedGen C0796093, MONDO:0009773, OMIM 257980.
Schöpf-Schulz-Passarge syndrome. Also called: ECCRINE TUMORS WITH ECTODERMAL DYSPLASIA; KERATOSIS PALMOPLANTARIS WITH CYSTIC EYELIDS, HYPODONTIA, AND HYPOTRICHOSIS; SchC6pf-Schulz-Passarge syndrome. Identifiers: Orphanet 50944, MedGen C1857069, MONDO:0009145, OMIM 224750.

Allele frequency attached by ClinVar (database versions not stated): gnomAD exomes 0.00038; gnomAD 0.00391 and 0.00422; 1000 Genomes Project 0.00399; TOPMed 0.00434; 1000 Genomes Project 30x 0.00453.
gnomAD v4.1: 767 of 574,958 alleles (0.13%); highest among the groups gnomAD compares: African/African-American, 1.4%; 10 homozygotes.

Submissions (3):

Illumina Laboratory Services, Illumina
Classification: Likely benign for Odonto-onycho-dermal dysplasia. Last evaluated: 2018-01-12. Review status: criteria provided, single submitter. Criteria: ICSL Variant Classification Criteria 13 December 2019. Collection method: clinical testing. Allele origin: germline.
Comment: This variant was observed in the ICSL laboratory as part of a predisposition screen in an ostensibly healthy population. It had not been previously curated by ICSL or reported in the Human Gene Mutation Database (HGMD: prior to June 1st, 2018), and was therefore a candidate for classification through an automated scoring system. Utilizing variant allele frequency, disease prevalence and penetrance estimates, and inheritance mode, an automated score was calculated to assess if this variant is too frequent to cause the disease. Based on the score and internal cut-off values, a variant classified as likely benign is not then subjected to further curation. The score for this variant resulted in a classification of likely benign for this disease.

Illumina Laboratory Services, Illumina
Classification: Likely benign for Schöpf-Schulz-Passarge syndrome. Last evaluated: 2018-01-12. Review status: criteria provided, single submitter. Criteria: ICSL Variant Classification Criteria 13 December 2019. Collection method: clinical testing. Allele origin: germline.
Comment: the same text as in the submission from Illumina Laboratory Services, Illumina above.

Illumina Laboratory Services, Illumina
Classification: Likely benign for Tooth agenesis, selective, 4. Last evaluated: 2018-01-12. Review status: criteria provided, single submitter. Criteria: ICSL Variant Classification Criteria 13 December 2019. Collection method: clinical testing. Allele origin: germline.
Comment: the same text as in the submission from Illumina Laboratory Services, Illumina above.